The following is an entry in ClinVar:

NM_001042492.3(NF1):c.8161-2A>G

Gene: NF1 (neurofibromin 1; plus strand). Cytogenetic location: 17q11.2.
Variant type: single nucleotide variant.
Coding change: c.8161-2A>G on transcript NM_001042492.3 (MANE Select); the canonical splice acceptor site of the intron before coding-DNA position 8161, A replaced by G.
Molecular consequence: splice acceptor variant.
Genome position (GRCh38, 1-based): chr17:31,360,485, A>G. VCF-style: chr17-31360485-A-G. GRCh37 (hg19) VCF-style: chr17-29687503-A-G.
Other names: c.8098-2A>G (NM_000267.4).
Identifiers: ClinVar variation 2098090 (VCV002098090.6), dbSNP rs1344104003, ClinGen allele CA399204326.

ClinVar aggregate classification (germline): Pathogenic/Likely pathogenic. Review status: criteria provided, multiple submitters, no conflicts (2 of 4 stars). 3 submissions from 3 submitters: Pathogenic (2); Likely pathogenic (1). Last evaluated 2022-05-05.

Conditions:
Neoplasm of brain. Also called: Brain tumour; Brain neoplasm; Brain Neoplasms. Identifiers: MedGen C0006118, MeSH D001932, MONDO:0021211, HP:0030692.
Neurofibromatosis, type 1 (NF1). Also called: NEUROFIBROMATOSIS, TYPE I, SOMATIC; Neurofibromatosis, type I; Peripheral type neurofibromatosis; VON RECKLINGHAUSEN DISEASE. Identifiers: Orphanet 636, MedGen C0027831, MONDO:0018975, OMIM 162200. Disease mechanism: loss of function.

Allele frequency attached by ClinVar (database versions not stated): gnomAD exomes below 0.00001.
gnomAD v4.1: 1 of 1,613,688 alleles (0.000062%); highest among the groups gnomAD compares: Non-Finnish European, 0.000085%; no homozygotes.

Submissions (3):

Labcorp Genetics (formerly Invitae), Labcorp
Classification: Pathogenic for Neurofibromatosis, type 1. Last evaluated: 2022-05-05. Review status: criteria provided, single submitter. Criteria: Invitae Variant Classification Sherloc (09022015). Collection method: clinical testing. Allele origin: germline.
Comment: For these reasons, this variant has been classified as Pathogenic. Algorithms developed to predict the effect of sequence changes on RNA splicing suggest that this variant may disrupt the consensus splice site. Disruption of this splice site has been observed in individual(s) with clinical features of neurofibromatosis type 1 (PMID: 23913538; Invitae). The frequency data for this variant in the population databases is considered unreliable, as metrics indicate poor data quality at this position in the gnomAD database. This sequence change affects an acceptor splice site in intron 55 of the NF1 gene. It is expected to disrupt RNA splicing. Variants that disrupt the donor or acceptor splice site typically lead to a loss of protein function (PMID: 16199547), and loss-of-function variants in NF1 are known to be pathogenic (PMID: 10712197, 23913538).

Laboratoire de Génétique Moléculaire, CHU Bordeaux
Classification: Pathogenic for Neurofibromatosis, type 1. Review status: criteria provided, single submitter. Criteria: ACMG Guidelines, 2015. Collection method: clinical testing. Allele origin: germline. Affected: yes.

Laboratory of Medical Genetics Unit, Bambino Gesù Children's Hospital
Classification: Likely pathogenic for Neoplasm of brain. Review status: criteria provided, single submitter. Criteria: ACMG Guidelines, 2015. Collection method: clinical testing. Allele origin: paternal. Inheritance: Autosomal dominant inheritance. Affected: yes.
Comment: This sequence change affects a canonical splice acceptor site in intron 55 of the NF1 gene and it is expected to cause loss of function. This variant is present in population databases (rs1344104003, gnomAD 0.0004%). Disruption of this splice site has been observed in individual(s) with neurofibromatosis type 1 (NF1) (PMID: 12807981, 18546366, 21520333, 26056819). For these reasons, this variant has been classified as Likely Pathogenic.

Literature cited by the submitters: PubMed 23913538 (cited by Labcorp Genetics (formerly Invitae), Labcorp); PubMed 16199547 (cited by Labcorp Genetics (formerly Invitae), Labcorp); PubMed 10712197 (cited by Labcorp Genetics (formerly Invitae), Labcorp).